The following is an entry in ClinVar:

ClinVar aggregate classification (germline): Uncertain significance (1 of 4 stars; one submission).

Allele frequency attached by ClinVar (database versions not stated): gnomAD exomes below 0.00001; TOPMed 0.00001.
gnomAD v4.1: 1 of 1,613,900 alleles (0.000062%); highest among the groups gnomAD compares: Admixed American, 0.0017%; no homozygotes.

Submission:

Labcorp Genetics (formerly Invitae), Labcorp
Classification: Uncertain significance. Last evaluated: 2021-10-15. Review status: criteria provided, single submitter. Criteria: Invitae Variant Classification Sherloc (09022015). Collection method: clinical testing. Allele origin: germline.
Comment: This variant has not been reported in the literature in individuals affected with ADAMTSL4-related conditions. In summary, the available evidence is currently insufficient to determine the role of this variant in disease. Therefore, it has been classified as a Variant of Uncertain Significance. Algorithms developed to predict the effect of missense changes on protein structure and function are either unavailable or do not agree on the potential impact of this missense change (SIFT: "Deleterious"; PolyPhen-2: "Possibly Damaging"; Align-GVGD: "Class C0"). This variant is not present in population databases (ExAC no frequency). This sequence change replaces serine with proline at codon 924 of the ADAMTSL4 protein (p.Ser924Pro). The serine residue is highly conserved and there is a moderate physicochemical difference between serine and proline.

NM_019032.6(ADAMTSL4):c.2770T>C (p.Ser924Pro)

Gene: ADAMTSL4 (ADAMTS like 4; plus strand). Cytogenetic location: 1q21.2.
Variant type: single nucleotide variant.
Coding change: c.2770T>C on transcript NM_019032.6 (MANE Select); coding-DNA position 2770, T replaced by C.
Protein change: p.Ser924Pro; replaces serine 924 with proline.
Molecular consequence: missense variant.
Genome position (GRCh38, 1-based): chr1:150,559,293, T>C. VCF-style: chr1-150559293-T-C. GRCh37 (hg19) VCF-style: chr1-150531769-T-C.
Other names: c.2653T>C, p.Ser885Pro (NM_001288607.2); c.2839T>C, p.Ser947Pro (NM_001288608.2); c.2770T>C, p.Ser924Pro (NM_001378596.1); short protein forms S924P, S885P, S947P.
Identifiers: ClinVar variation 1487284 (VCV001487284.4), dbSNP rs1023927716, ClinGen allele CA30073294.